The following is an entry in ClinVar:

NM_017849.4(TMEM127):c.438_442del (p.Phe146fs)

Gene: TMEM127 (transmembrane protein 127; minus strand). Cytogenetic location: 2q11.2.
Variant type: Deletion.
Coding change: c.438_442del on transcript NM_017849.4 (MANE Select); coding-DNA positions 438 to 442, 5 bases deleted (TTCTT; older notation c.438_442delTTCTT).
Protein change: p.Phe146fs; shifts the reading frame from phenylalanine 146.
Molecular consequence: frameshift variant.
Genome position (GRCh38, 1-based): chr2:96,254,083-96,254,087, AAGAA deleted on the plus strand (TTCTT on the coding strand, the reverse complement: TMEM127 is on the minus strand); deleting any 5 consecutive bases within chr2:96,254,083-96,254,090 gives the same sequence; the c. name uses the placement nearest the transcript's 3' end. VCF-style (leftmost placement, unchanged base first): chr2-96254082-TAAGAA-T. GRCh37 (hg19) VCF-style: chr2-96919820-TAAGAA-T.
Other names: c.438_442delTTCTT (NM_017849.3); c.438_442del, p.Phe146fs (NM_001193304.3); c.186_190del, p.Phe62fs (NM_001407282.1, NM_001407283.1); short protein forms F62fs, F146fs.
Identifiers: ClinVar variation 2699377 (VCV002699377.4), dbSNP rs2467264298, ClinGen allele CA2697550983.

ClinVar aggregate classification (germline): Pathogenic. Review status: criteria provided, multiple submitters, no conflicts (2 of 4 stars). 2 submissions from 2 submitters: Pathogenic (2). Last evaluated 2025-07-22.

Conditions:
Hereditary cancer-predisposing syndrome. Also called: Hereditary neoplastic syndrome; Neoplastic Syndromes, Hereditary; Tumor predisposition; Hereditary Cancer Syndrome. Identifiers: Orphanet 140162, MedGen C0027672, MeSH D009386, MONDO:0015356.
Hereditary pheochromocytoma and paraganglioma. Also called: Hereditary Paraganglioma-Pheochromocytoma Syndromes; Hereditary pheochromocytoma-paraganglioma; Hereditary paragangliomas and pheochromocytomas. Identifiers: Orphanet 29072, MedGen C4274332, MONDO:0017366.

Submissions (2):

Ambry Genetics
Classification: Pathogenic for Hereditary cancer-predisposing syndrome. Last evaluated: 2025-07-22. Review status: criteria provided, single submitter. Criteria: Ambry Variant Classification Scheme 2023. Collection method: clinical testing. Allele origin: germline.
Comment: The c.438_442delTTCTT pathogenic mutation, located in coding exon 3 of the TMEM127 gene, results from a deletion of 5 nucleotides at nucleotide positions 438 to 442, causing a translational frameshift with a predicted alternate stop codon (p.F146Lfs*5). This alteration occurs at the 3' terminus of theTMEM127 gene, is not expected to trigger nonsense-mediated mRNA decay, and impacts the last 39% of the protein. However, premature stop codons are typically deleterious in nature and a significant portion of the protein is affected (Ambry internal data). This variant is considered to be rare based on population cohorts in the Genome Aggregation Database (gnomAD). Based on the supporting evidence, this variant is interpreted as a disease-causing mutation.

Labcorp Genetics (formerly Invitae), Labcorp
Classification: Pathogenic for Hereditary pheochromocytoma and paraganglioma. Last evaluated: 2023-11-28. Review status: criteria provided, single submitter. Criteria: Invitae Variant Classification Sherloc (09022015). Collection method: clinical testing. Allele origin: germline.
Comment: This sequence change creates a premature translational stop signal (p.Phe146Leufs*5) in the TMEM127 gene. While this is not anticipated to result in nonsense mediated decay, it is expected to disrupt the last 93 amino acid(s) of the TMEM127 protein. This variant is not present in population databases (gnomAD no frequency). This variant has not been reported in the literature in individuals affected with TMEM127-related conditions. This variant disrupts a region of the TMEM127 protein in which other variant(s) (p.Tyr178Leufs*48) have been determined to be pathogenic (PMID: 28384794, 28855235). This suggests that this is a clinically significant region of the protein, and that variants that disrupt it are likely to be disease-causing. For these reasons, this variant has been classified as Pathogenic.

Literature cited by the submitters: PubMed 28384794 (cited by Labcorp Genetics (formerly Invitae), Labcorp); PubMed 28855235 (cited by Labcorp Genetics (formerly Invitae), Labcorp).